The following is an entry in ClinVar:

NM_002878.4(RAD51D):c.164G>A (p.Arg55Gln)

Genes: RAD51D (RAD51 paralog D; minus strand), RAD51L3-RFFL (RAD51L3-RFFL readthrough; minus strand). Cytogenetic location: 17q12.
Variant type: single nucleotide variant.
Coding change: c.164G>A on transcript NM_002878.4 (MANE Select); coding-DNA position 164, G replaced by A.
Protein change: p.Arg55Gln; replaces arginine 55 with glutamine.
Molecular consequence: missense variant. On other transcripts: intron variant (2).
Genome position (GRCh38, 1-based): chr17:35,118,600, C>T on the plus strand (G>A on the coding strand, the complement: RAD51D is on the minus strand). VCF-style: chr17-35118600-C-T. GRCh37 (hg19) VCF-style: chr17-33445619-C-T.
Other names: c.144+511G>A (NM_133629.3, NM_001142571.2); short protein forms R55Q.
Identifiers: ClinVar variation 230266 (VCV000230266.38), dbSNP rs151198586, ClinGen allele CA8499637.

ClinVar aggregate classification (germline): Uncertain significance. Review status: criteria provided, multiple submitters, no conflicts (2 of 4 stars). 14 submissions from 14 submitters: Uncertain significance (13). 1 of the submissions does not count toward it. Last evaluated 2026-01-19.

Conditions:
RAD51D-related disorder. Also called: RAD51D-related condition.
Familial ovarian cancer. Identifiers: MedGen C5679802, MONDO:0016248.
Hereditary cancer-predisposing syndrome. Also called: Neoplastic Syndromes, Hereditary; Tumor predisposition; Hereditary Cancer Syndrome; Hereditary neoplastic syndrome. Identifiers: Orphanet 140162, MedGen C0027672, MeSH D009386, MONDO:0015356.
Hereditary breast ovarian cancer syndrome. Also called: Hereditary breast and ovarian cancer; Hereditary breast and ovarian cancer syndrome (HBOC); Breast and ovarian cancer; BRCA1- and BRCA2-Associated Hereditary Breast and Ovarian Cancer; Hereditary breast and/or ovarian cancer syndrome; Hereditary breast and ovarian cancer syndrome. Identifiers: Orphanet 145, MedGen C0677776, MeSH D061325, MONDO:0003582. Disease mechanism: loss of function.
Breast-ovarian cancer, familial, susceptibility to, 4. Identifiers: Orphanet 145, MedGen C3280345, MONDO:0013669, OMIM 614291.
Malignant tumor of breast. Also called: Malignant breast neoplasm; Cancer breast. Identifiers: MedGen C0006142, MONDO:0007254. Disease mechanism: loss of function.

Allele frequency attached by ClinVar (database versions not stated): ExAC 0.00001; gnomAD exomes 0.00001; gnomAD 0.00002; TOPMed 0.00004; ESP Exome Variant Server 0.00008.
gnomAD v4.1: 15 of 1,614,096 alleles (0.00093%); highest among the groups gnomAD compares: East Asian, 0.0045%; no homozygotes.

Submissions 1 to 10 of 14:

Labcorp Genetics (formerly Invitae), Labcorp
Classification: Uncertain significance for Breast-ovarian cancer, familial, susceptibility to, 4. Last evaluated: 2026-01-19. Review status: criteria provided, single submitter. Criteria: Invitae Variant Classification Sherloc (09022015). Collection method: clinical testing. Allele origin: germline.
Comment: This sequence change replaces arginine, which is basic and polar, with glutamine, which is neutral and polar, at codon 55 of the RAD51D protein (p.Arg55Gln). This variant is present in population databases (rs151198586, gnomAD 0.005%). This missense change has been observed in individual(s) with breast and/or ovarian cancer (PMID: 32068069). ClinVar contains an entry for this variant (Variation ID: 230266). Invitae Evidence Modeling of protein sequence and biophysical properties (such as structural, functional, and spatial information, amino acid conservation, physicochemical variation, residue mobility, and thermodynamic stability) indicates that this missense variant is not expected to disrupt RAD51D protein function with a negative predictive value of 80%. RNA analysis performed to evaluate the impact of this missense change on mRNA splicing indicates it does not significantly alter splicing (internal data). In summary, the available evidence is currently insufficient to determine the role of this variant in disease. Therefore, it has been classified as a Variant of Uncertain Significance.

PreventionGenetics, part of Exact Sciences
Classification: Uncertain significance for RAD51D-related condition. Last evaluated: 2026-01-07. Review status: criteria provided, single submitter. Criteria: ACMG Guidelines, 2015. Collection method: clinical testing. Allele origin: germline.
Comment: The RAD51D c.164G>A variant is predicted to result in the amino acid substitution p.Arg55Gln. To our knowledge, this variant has not been reported in the literature in individuals affected with RAD51D-related conditions. This variant is reported in 0.0050% of alleles in individuals of East Asian descent in gnomAD and has been interpreted as variant of uncertain significance in the ClinVar database (Variation ID: 230266). At this time, the clinical significance of this variant is uncertain due to the absence of conclusive functional and genetic evidence.

Ambry Genetics
Classification: Uncertain significance for Hereditary cancer-predisposing syndrome. Last evaluated: 2025-04-22. Review status: criteria provided, single submitter. Criteria: Ambry Variant Classification Scheme 2023. Collection method: clinical testing. Allele origin: germline.
Comment: The p.R55Q variant (also known as c.164G>A), located in coding exon 3 of the RAD51D gene, results from a G to A substitution at nucleotide position 164. The arginine at codon 55 is replaced by glutamine, an amino acid with highly similar properties. This alteration has been reported in 1/1197 individuals from Greece, Romania, and Turkey undergoing evaluation for inherited cancer predisposition (Tsaousis GN et al. BMC Cancer, 2019 Jun;19:535) and in 1/3251 individuals who met eligibility criteria for hereditary breast and ovarian cancer syndrome (Lerner-Ellis J et al. J Cancer Res Clin Oncol, 2021 Mar;147:871-879). This variant was also identified in a cohort of 3,579 African males diagnosed with prostate cancer who underwent multi-gene panel testing of 19 DNA repair and cancer predisposition genes (Matejcic M et al. JCO Precis Oncol, 2020 Jan;4:32-43). This amino acid position is highly conserved in available vertebrate species. In addition, the in silico prediction for this alteration is inconclusive. Based on the available evidence, the clinical significance of this variant remains unclear.

Quest Diagnostics Nichols Institute San Juan Capistrano
Classification: Uncertain significance. Last evaluated: 2024-12-30. Review status: criteria provided, single submitter. Criteria: Quest Diagnostics criteria. Collection method: clinical testing. Allele origin: unknown.
Comment: The RAD51D c.164G>A (p.Arg55Gln) variant has been reported in the published literature in individuals with a personal or family history of breast/ovarian cancer (PMIDs: 32068069 (2020), 31159747 (2019)). The frequency of this variant in the general population (Genome Aggregation Database) is uninformative in the assessment of its pathogenicity. Analysis of this variant using bioinformatics tools for the prediction of the effect of amino acid changes on protein structure and function yielded predictions that this variant is damaging. Based on the available information, we are unable to determine the clinical significance of this variant.

Molecular Pathology, Peter Maccallum Cancer Centre
Classification: Uncertain significance for Familial ovarian cancer. Last evaluated: 2024-09-05. Review status: criteria provided, single submitter. Criteria: ACMG Guidelines, 2015. Collection method: clinical testing. Allele origin: germline. Inheritance: Autosomal dominant inheritance.

Women's Health and Genetics/Laboratory Corporation of America, LabCorp
Classification: Uncertain significance. Last evaluated: 2024-07-29. Review status: criteria provided, single submitter. Criteria: LabCorp Variant Classification Summary - May 2015. Collection method: clinical testing. Allele origin: germline.
Comment: Variant summary: RAD51D c.164G>A (p.Arg55Gln) results in a conservative amino acid change located in the RAD51D, N-terminal domain (IPR048943) of the encoded protein sequence. Three of five in-silico tools predict a damaging effect of the variant on protein function. The variant allele was found at a frequency of 1.2e-05 in 251256 control chromosomes. The available data on variant occurrences in the general population are insufficient to allow any conclusion about variant significance. c.164G>A has been reported in the literature as a VUS in settings of multigene panel testing in individuals suspected of a cancer predisposition syndrome, including Hereditary Breast And Ovarian Cancer Syndrome (e.g. Tsaousis_2019, Kwong_2020) . These reports do not provide unequivocal conclusions about association of the variant with Hereditary Breast And Ovarian Cancer Syndrome. To our knowledge, no experimental evidence demonstrating an impact on protein function has been reported. The following publications have been ascertained in the context of this evaluation (PMID: 31159747, 32068069). ClinVar contains an entry for this variant (Variation ID: 230266). Based on the evidence outlined above, the variant was classified as uncertain significance.

Fulgent Genetics
Classification: Uncertain significance for Breast-ovarian cancer, familial, susceptibility to, 4. Last evaluated: 2024-01-08. Review status: criteria provided, single submitter. Criteria: ACMG Guidelines, 2015. Collection method: clinical testing. Allele origin: germline.

GeneDx
Classification: Uncertain significance. Last evaluated: 2023-02-27. Review status: criteria provided, single submitter. Criteria: GeneDx Variant Classification Process June 2021. Collection method: clinical testing. Allele origin: germline. Affected: yes.
Comment: Not observed at significant frequency in large population cohorts (gnomAD); In silico analysis supports that this missense variant does not alter protein structure/function; This variant is associated with the following publications: (PMID: 31159747, 21111057, 14704354, 19327148, 32885271)

Blueprint Genetics
Classification: Uncertain significance. Last evaluated: 2022-01-13. Review status: criteria provided, single submitter. Criteria: ACMG Guidelines, 2015. Collection method: clinical testing. Allele origin: germline.

Sema4
Classification: Uncertain significance for Hereditary cancer-predisposing syndrome. Last evaluated: 2021-08-23. Review status: criteria provided, single submitter. Criteria: Sema4 Curation Guidelines. Collection method: curation. Allele origin: germline.
Comment: The RAD51D c.164G>A (p.R55Q) variant has been reported in heterozygosity in at least one individual being evaluated for hereditary breast and ovarian cancer syndromes (PMID: 31159747). It was observed in 4/282618 chromosomes in the large and broad cohorts of the Genome Aggregation Database (PMID: 32461654). The variant has been reported in ClinVar (Variation ID 230266). Functional studies have not been performed, and in silico predictions of the variant's effect on protein function are inconclusive. The evidence is insufficient to meet ACMG/AMP criteria for classifying the variant as benign or pathogenic. Thus, the clinical significance of this variant is currently uncertain.